The following is an entry in ClinVar:

ClinVar aggregate classification (germline): Uncertain significance (1 of 4 stars; one submission).

Submission:

Labcorp Genetics (formerly Invitae), Labcorp
Classification: Uncertain significance. Last evaluated: 2022-08-22. Review status: criteria provided, single submitter. Criteria: Invitae Variant Classification Sherloc (09022015). Collection method: clinical testing. Allele origin: germline.
Comment: ClinVar contains an entry for this variant (Variation ID: 1384576). In summary, the available evidence is currently insufficient to determine the role of this variant in disease. Therefore, it has been classified as a Variant of Uncertain Significance. Algorithms developed to predict the effect of missense changes on protein structure and function output the following: SIFT: "Tolerated"; PolyPhen-2: "Benign"; Align-GVGD: "Class C0". The threonine amino acid residue is found in multiple mammalian species, which suggests that this missense change does not adversely affect protein function. This variant has not been reported in the literature in individuals affected with GPR179-related conditions. This variant is not present in population databases (gnomAD no frequency). This sequence change replaces alanine, which is neutral and non-polar, with threonine, which is neutral and polar, at codon 1964 of the GPR179 protein (p.Ala1964Thr).

NM_001004334.4(GPR179):c.5890G>A (p.Ala1964Thr)

Gene: GPR179 (G protein-coupled receptor 179; minus strand). Cytogenetic location: 17q12.
Variant type: single nucleotide variant.
Coding change: c.5890G>A on transcript NM_001004334.4 (MANE Select); coding-DNA position 5890, G replaced by A.
Protein change: p.Ala1964Thr; replaces alanine 1964 with threonine.
Molecular consequence: missense variant.
Genome position (GRCh38, 1-based): chr17:38,327,679, C>T on the plus strand (G>A on the coding strand, the complement: GPR179 is on the minus strand). VCF-style: chr17-38327679-C-T. GRCh37 (hg19) VCF-style: chr17-36483562-C-T.
Other names: short protein forms A1964T.
Identifiers: ClinVar variation 1384576 (VCV001384576.6), dbSNP rs2144255653, ClinGen allele CA398870635.